The following is an entry in ClinVar:

ClinVar aggregate classification (germline): Uncertain significance. Review status: criteria provided, multiple submitters, no conflicts (2 of 4 stars). 3 submissions from 3 submitters: Uncertain significance (3). Last evaluated 2025-03-21.

Conditions:
Fanconi anemia (FA). Also called: Fanconi's anemia. Identifiers: Orphanet 84, MedGen C0015625, MeSH D005199, MONDO:0019391.
SLX4-related disorder. Also called: SLX4-related condition.
Fanconi anemia complementation group P. Also called: SLX4-Related Fanconi Anemia. Identifiers: Orphanet 84, MedGen C3469542, MONDO:0013499, OMIM 613951.

Allele frequency attached by ClinVar (database versions not stated): ExAC 0.00003; TOPMed 0.00003.
gnomAD v4.1: 43 of 1,614,046 alleles (0.0027%); highest among the groups gnomAD compares: Admixed American, 0.005%; no homozygotes.

Submissions (3):

PreventionGenetics, part of Exact Sciences
Classification: Uncertain significance for SLX4-related condition. Last evaluated: 2025-03-21. Review status: criteria provided, single submitter. Criteria: ACMG Guidelines, 2015. Collection method: clinical testing. Allele origin: germline.
Comment: The SLX4 c.248G>C variant is predicted to result in the amino acid substitution p.Gly83Ala. This variant has been reported in the heterozygous state, with another uncertain variant in BMP4, in an individual with pituitary stalk interruption syndrome (Case 15, Brauner et al. 2020. PubMed ID: 33270637) and in the heterozygous state in an individual with breast cancer (Fernández-Rodríguez et al. 2012. PubMed ID: 22401137). This variant is reported in 0.0046% of alleles in individuals of European (Non-Finnish) descent in gnomAD. At this time, the clinical significance of this variant is uncertain due to the absence of conclusive functional and genetic evidence.

Fulgent Genetics
Classification: Uncertain significance for Fanconi anemia complementation group P. Last evaluated: 2024-03-25. Review status: criteria provided, single submitter. Criteria: ACMG Guidelines, 2015. Collection method: clinical testing. Allele origin: germline.

Labcorp Genetics (formerly Invitae), Labcorp
Classification: Uncertain significance for Fanconi anemia. Last evaluated: 2021-11-13. Review status: criteria provided, single submitter. Criteria: Invitae Variant Classification Sherloc (09022015). Collection method: clinical testing. Allele origin: germline.
Comment: This sequence change replaces glycine, which is neutral and non-polar, with alanine, which is neutral and non-polar, at codon 83 of the SLX4 protein (p.Gly83Ala). This variant is present in population databases (rs771698977, gnomAD 0.005%). This missense change has been observed in individual(s) with breast cancer and/or pituitary stalk interruption syndrome (PMID: 22401137, 33270637). ClinVar contains an entry for this variant (Variation ID: 526432). Algorithms developed to predict the effect of missense changes on protein structure and function (SIFT, PolyPhen-2, Align-GVGD) all suggest that this variant is likely to be tolerated. In summary, the available evidence is currently insufficient to determine the role of this variant in disease. Therefore, it has been classified as a Variant of Uncertain Significance.

Literature cited by the submitters: PubMed 22401137 (cited by Labcorp Genetics (formerly Invitae), Labcorp); PubMed 33270637 (cited by Labcorp Genetics (formerly Invitae), Labcorp).

NM_032444.4(SLX4):c.248G>C (p.Gly83Ala)

Gene: SLX4 (SLX4 structure-specific endonuclease subunit; minus strand). Cytogenetic location: 16p13.3.
Variant type: single nucleotide variant.
Coding change: c.248G>C on transcript NM_032444.4 (MANE Select); coding-DNA position 248, G replaced by C.
Protein change: p.Gly83Ala; replaces glycine 83 with alanine.
Molecular consequence: missense variant.
Genome position (GRCh38, 1-based): chr16:3,608,717, C>G on the plus strand (G>C on the coding strand, the complement: SLX4 is on the minus strand). VCF-style: chr16-3608717-C-G. GRCh37 (hg19) VCF-style: chr16-3658718-C-G.
Other names: c.248G>C (NM_032444.3, LRG_503t1); short protein forms G83A.
Identifiers: ClinVar variation 526432 (VCV000526432.9), dbSNP rs771698977, ClinGen allele CA7866917.
Genomic context (GRCh38, chr16:3,608,717, plus strand): 5'-AGGGTTTTGGTCTTGGTAGCAGTTTGTTTGGTCCTTTTCAATTTGCTTCTTATCTGAGTG[C>G]CGTTTGAGGCAGCCTTTTGTGTCTTCCTTTCTCCTGACACTTCCTTGATTCCATGTTTTT-3'
Protein context (NP_115820.2, residues 73-93): ERKTQKAASN[Gly83Ala]TQIRSKLKRT